The following is an entry in ClinVar:

ClinVar aggregate classification (germline): Uncertain significance (1 of 4 stars; one submission).

Submission:

Labcorp Genetics (formerly Invitae), Labcorp
Classification: Uncertain significance. Last evaluated: 2025-12-13. Review status: criteria provided, single submitter. Criteria: Invitae Variant Classification Sherloc (09022015). Collection method: clinical testing. Allele origin: germline.
Comment: This sequence change replaces glycine, which is neutral and non-polar, with arginine, which is basic and polar, at codon 198 of the MESP1 protein (p.Gly198Arg). This variant is not present in population databases (gnomAD no frequency). This variant has not been reported in the literature in individuals affected with MESP1-related conditions. An algorithm developed to predict the effect of missense changes on protein structure and function outputs the following: PolyPhen-2: "Benign". The arginine amino acid residue is found in multiple mammalian species, which suggests that this missense change does not adversely affect protein function. In summary, the available evidence is currently insufficient to determine the role of this variant in disease. Therefore, it has been classified as a Variant of Uncertain Significance.

NM_018670.4(MESP1):c.592G>C (p.Gly198Arg)

Genes: MESP1 (mesoderm posterior bHLH transcription factor 1; minus strand), LOC130057888 (ATAC-STARR-seq lymphoblastoid silent region 6803; plus strand). Cytogenetic location: 15q26.1.
Variant type: single nucleotide variant.
Coding change: c.592G>C on transcript NM_018670.4 (MANE Select); coding-DNA position 592, G replaced by C.
Protein change: p.Gly198Arg; replaces glycine 198 with arginine.
Molecular consequence: missense variant.
Genome position (GRCh38, 1-based): chr15:89,750,640, C>G on the plus strand (G>C on the coding strand, the complement: MESP1 is on the minus strand). VCF-style: chr15-89750640-C-G. GRCh37 (hg19) VCF-style: chr15-90293871-C-G.
Other names: short protein forms G198R.
Identifiers: ClinVar variation 4738875 (VCV004738875.1).
Genomic context (GRCh38, chr15:89,750,640, plus strand): 5'-CGCGCGGCTCGGGTGCAGCTCGGGCTCCGGGGCAGGCAGGCGGGGATCCCCAGGACGCCC[C>G]GGCGCGGACGGCGGATACCAGGCCCAGCCCGCGCCCCTGCCCCTGCCCCTCAGCCTGCGT-3'
Protein context (NP_061140.1, residues 188-208): GLGLVSAVRA[Gly198Arg]ASWGSPPACP